The following is an entry in ClinVar:

NM_004260.4(RECQL4):c.1561C>T (p.Arg521Trp)

Gene: RECQL4 (RecQ like helicase 4; minus strand). Cytogenetic location: 8q24.3.
Variant type: single nucleotide variant.
Coding change: c.1561C>T on transcript NM_004260.4 (MANE Select); coding-DNA position 1561, C replaced by T.
Protein change: p.Arg521Trp; replaces arginine 521 with tryptophan.
Molecular consequence: missense variant.
Genome position (GRCh38, 1-based): chr8:144,514,995, G>A on the plus strand (C>T on the coding strand, the complement: RECQL4 is on the minus strand). VCF-style: chr8-144514995-G-A. GRCh37 (hg19) VCF-style: chr8-145740379-G-A.
Other names: short protein forms R521W.
Identifiers: ClinVar variation 239700 (VCV000239700.22), dbSNP rs555407951, ClinGen allele CA4948802.

ClinVar aggregate classification (germline): Conflicting classifications of pathogenicity. Review status: criteria provided, conflicting classifications (1 of 4 stars). 8 submissions from 8 submitters: Uncertain significance (7); Likely benign (1). Last evaluated 2026-03-01.

Conditions:
Rothmund-Thomson syndrome type 2 (RTS2). Identifiers: Orphanet 221016, MedGen C5203410, MONDO:0016369, OMIM 268400.
Rapadilino syndrome. Identifiers: Orphanet 3021, MedGen C1849453, MONDO:0009955, OMIM 266280.
Baller-Gerold syndrome (BGS). Also called: CRANIOSYNOSTOSIS WITH RADIAL DEFECTS. Identifiers: Orphanet 1225, MedGen C0265308, MONDO:0009039, OMIM 218600.
Hereditary cancer-predisposing syndrome. Also called: Tumor predisposition; Hereditary Cancer Syndrome; Neoplastic Syndromes, Hereditary; Hereditary neoplastic syndrome. Identifiers: Orphanet 140162, MedGen C0027672, MeSH D009386, MONDO:0015356.

Allele frequency attached by ClinVar (database versions not stated): gnomAD 0.00004 and 0.00011; TOPMed 0.00004; gnomAD exomes 0.00013 and 0.00026; 1000 Genomes Project 30x 0.00016; 1000 Genomes Project 0.00020; ExAC 0.00029.
gnomAD v4.1: 214 of 1,611,452 alleles (0.013%); highest among the groups gnomAD compares: South Asian, 0.18%; 1 homozygote.

Submissions (8):

CeGaT Center for Human Genetics Tuebingen
Classification: Likely benign. Last evaluated: 2026-03-01. Review status: criteria provided, single submitter. Criteria: CeGaT Center For Human Genetics Tuebingen Variant Classification Criteria Version 2. Collection method: clinical testing. Allele origin: germline. Affected: yes. Observed: 1 variant allele.
Comment: RECQL4: BP4, BS2

Labcorp Genetics (formerly Invitae), Labcorp
Classification: Uncertain significance for Baller-Gerold syndrome. Last evaluated: 2026-01-27. Review status: criteria provided, single submitter. Criteria: Invitae Variant Classification Sherloc (09022015). Collection method: clinical testing. Allele origin: germline.
Comment: This sequence change replaces arginine, which is basic and polar, with tryptophan, which is neutral and slightly polar, at codon 521 of the RECQL4 protein (p.Arg521Trp). This variant is present in population databases (rs555407951, gnomAD 0.2%). This variant has not been reported in the literature in individuals affected with RECQL4-related conditions. ClinVar contains an entry for this variant (Variation ID: 239700). Invitae Evidence Modeling of protein sequence and biophysical properties (such as structural, functional, and spatial information, amino acid conservation, physicochemical variation, residue mobility, and thermodynamic stability) indicates that this missense variant is expected to disrupt RECQL4 protein function with a positive predictive value of 80%. In summary, the available evidence is currently insufficient to determine the role of this variant in disease. Therefore, it has been classified as a Variant of Uncertain Significance.

St. Jude Molecular Pathology, St. Jude Children's Research Hospital
Classification: Uncertain significance for Rothmund-Thomson syndrome type 2. Last evaluated: 2024-11-27. Review status: criteria provided, single submitter. Criteria: St. Jude Assertion Criteria 2020. Collection method: clinical testing. Allele origin: germline.
Comment: The RECQL4 c.1561C>T (p.Arg521Trp) missense change has a maximum subpopulation frequ ency of 0.19% in gnomAD v2.1.1. In silico tools are inconclusive about a pathogenic or benign effect of this variant on protein function, and to our knowledge functional studies have not been performed. To our knowled ge, this variant has not been reported in individuals with RECQL4-associated conditions. In summary, the evidence currently available is insufficient to determine the clinical significance of this variant. It has therefore been classified as of uncertain significance.

Revvity Omics, Revvity
Classification: Uncertain significance. Last evaluated: 2024-04-03. Review status: criteria provided, single submitter. Criteria: ACMG Guidelines, 2015. Collection method: clinical testing. Allele origin: germline.

Sema4
Classification: Uncertain significance for Hereditary cancer-predisposing syndrome. Last evaluated: 2022-03-16. Review status: criteria provided, single submitter. Criteria: Sema4 Curation Guidelines. Collection method: curation. Allele origin: germline.
Comment: The RECQL4 c.1561C>T (p.R521W) variant has not been reported in the literature to our knowledge. This variant was observed in 57/30292 chromosomes in the South Asian population, with no homozygotes, according to the Genome Aggregation Database (PMID: 32461654). This variant has been reported in ClinVar (Variation ID: 239700). Functional studies have not been performed, and in silico predictions of the variant's effect on protein function are inconclusive. The evidence is insufficient to meet ACMG/AMP criteria for classifying the variant as benign or pathogenic. Thus, the clinical significance of this variant is currently uncertain.

Fulgent Genetics
Classification: Uncertain significance for Baller-Gerold syndrome; Rapadilino syndrome; Rothmund-Thomson syndrome type 2. Last evaluated: 2021-11-10. Review status: criteria provided, single submitter. Criteria: ACMG Guidelines, 2015. Collection method: clinical testing. Allele origin: unknown.

Institute for Clinical Genetics, University Hospital TU Dresden, University Hospital TU Dresden
Classification: Uncertain significance. Last evaluated: 2021-11-03. Review status: criteria provided, single submitter. Criteria: ACMG Guidelines, 2015. Collection method: clinical testing. Allele origin: germline.

GeneDx
Classification: Uncertain significance. Last evaluated: 2020-06-04. Review status: criteria provided, single submitter. Criteria: GeneDx Variant Classification Process June 2021. Collection method: clinical testing. Allele origin: germline. Affected: yes.
Comment: In silico analysis, which includes protein predictors and evolutionary conservation, supports a deleterious effect; Has not been previously published as pathogenic or benign to our knowledge